The following is an entry in ClinVar:

NM_005585.5(SMAD6):c.586G>T (p.Glu196Ter)

Gene: SMAD6 (SMAD family member 6; plus strand). Cytogenetic location: 15q22.31.
Variant type: single nucleotide variant.
Coding change: c.586G>T on transcript NM_005585.5 (MANE Select); coding-DNA position 586, G replaced by T.
Protein change: p.Glu196Ter; replaces glutamic acid 196 with a stop codon.
Molecular consequence: nonsense. On other transcripts: non-coding transcript variant (1).
Genome position (GRCh38, 1-based): chr15:66,703,844, G>T. VCF-style: chr15-66703844-G-T. GRCh37 (hg19) VCF-style: chr15-66996182-G-T.
Other names: short protein forms E196*.
Identifiers: ClinVar variation 2169119 (VCV002169119.4), dbSNP rs2545312346, ClinGen allele CA392949844.

ClinVar aggregate classification (germline): Uncertain significance (1 of 4 stars; one submission).

Conditions:
Aortic valve disease 2 (AOVD2). Identifiers: MedGen C3542024, MONDO:0013902, OMIM 614823.

Allele frequency attached by ClinVar (database versions not stated): gnomAD exomes below 0.00001.
gnomAD v4.1: 3 of 1,368,406 alleles (0.00022%); highest among the groups gnomAD compares: Non-Finnish European, 0.000095%; no homozygotes.

Submission:

Labcorp Genetics (formerly Invitae), Labcorp
Classification: Uncertain significance for Aortic valve disease 2. Last evaluated: 2022-07-19. Review status: criteria provided, single submitter. Criteria: Invitae Variant Classification Sherloc (09022015). Collection method: clinical testing. Allele origin: germline.
Comment: This sequence change creates a premature translational stop signal (p.Glu196*) in the SMAD6 gene. It is expected to result in an absent or disrupted protein product. However, the current clinical and genetic evidence is not sufficient to establish whether loss-of-function variants in SMAD6 cause disease. This variant is not present in population databases (gnomAD no frequency). In summary, the available evidence is currently insufficient to determine the role of this variant in disease. Therefore, it has been classified as a Variant of Uncertain Significance. This variant has not been reported in the literature in individuals affected with SMAD6-related conditions.